The following is an entry in ClinVar:

ClinVar aggregate classification (germline): Likely benign. Review status: criteria provided, single submitter (1 of 4 stars). 2 submissions from 2 submitters: Likely benign (1). 1 of the submissions does not count toward it. Last evaluated 2023-08-31.

Conditions:
SPARC-related disorder. Also called: SPARC-related condition.

Allele frequency attached by ClinVar (database versions not stated): gnomAD exomes below 0.00001; TOPMed 0.00001; ExAC 0.00002; gnomAD 0.00003.
gnomAD v4.1: 6 of 1,613,520 alleles (0.00037%); highest among the groups gnomAD compares: African/African-American, 0.0053%; no homozygotes.

Submissions (2):

Blueprint Genetics
Classification: Likely benign. Last evaluated: 2023-08-31. Review status: criteria provided, single submitter. Criteria: ACMG Guidelines, 2015. Collection method: clinical testing. Allele origin: germline.

PreventionGenetics, part of Exact Sciences
Classification: Likely benign for SPARC-related condition. Last evaluated: 2021-04-14. Review status: no assertion criteria provided. Collection method: clinical testing. Allele origin: germline. Not counted in ClinVar's aggregate classification.
Comment: This variant is classified as likely benign based on ACMG/AMP sequence variant interpretation guidelines (Richards et al. 2015 PMID: 25741868, with internal and published modifications).

NM_003118.4(SPARC):c.209-4A>G

Gene: SPARC (secreted protein acidic and cysteine rich; minus strand). Cytogenetic location: 5q33.1.
Variant type: single nucleotide variant.
Coding change: c.209-4A>G on transcript NM_003118.4 (MANE Select); 4 bases into the intron before coding-DNA position 209, A replaced by G.
Molecular consequence: intron variant.
Genome position (GRCh38, 1-based): chr5:151,671,698, T>C on the plus strand (A>G on the coding strand, the complement: SPARC is on the minus strand). VCF-style: chr5-151671698-T-C. GRCh37 (hg19) VCF-style: chr5-151051259-T-C.
Other names: c.206-4A>G (NM_001309443.2); c.209-4A>G (NM_001309444.2).
Identifiers: ClinVar variation 3030956 (VCV003030956.3), dbSNP rs746331778, ClinGen allele CA3522768.